The following is an entry in ClinVar:

ClinVar aggregate classification (germline): Uncertain significance. Review status: criteria provided, multiple submitters, no conflicts (2 of 4 stars). 2 submissions from 2 submitters: Uncertain significance (2). Last evaluated 2025-12-09.

Conditions:
SBF2-related disorder. Also called: SBF2-related condition.
Charcot-Marie-Tooth disease type 4. Also called: Charcot-Marie-Tooth, Type 4; Charcot-Marie-Tooth disease, type IV. Identifiers: Orphanet 64749, MedGen C4082197, MONDO:0018995.

Allele frequency attached by ClinVar (database versions not stated): gnomAD exomes below 0.00001; gnomAD 0.00001; TOPMed 0.00001.
gnomAD v4.1: 121 of 1,614,084 alleles (0.0075%); highest among the groups gnomAD compares: Non-Finnish European, 0.01%; no homozygotes.

Submissions (2):

PreventionGenetics, part of Exact Sciences
Classification: Uncertain significance for SBF2-related condition. Last evaluated: 2025-12-09. Review status: criteria provided, single submitter. Criteria: ACMG Guidelines, 2015. Collection method: clinical testing. Allele origin: germline.
Comment: The SBF2 c.4373G>A variant is predicted to result in the amino acid substitution p.Ser1458Asn. To our knowledge, this variant has not been reported in the literature. This variant is reported in 0.0023% of alleles in individuals of European (Non-Finnish) descent in gnomAD. At this time, the clinical significance of this variant is uncertain due to the absence of conclusive functional and genetic evidence.

Labcorp Genetics (formerly Invitae), Labcorp
Classification: Uncertain significance for Charcot-Marie-Tooth disease type 4. Last evaluated: 2021-08-30. Review status: criteria provided, single submitter. Criteria: Invitae Variant Classification Sherloc (09022015). Collection method: clinical testing. Allele origin: germline.
Comment: This sequence change replaces serine with asparagine at codon 1458 of the SBF2 protein (p.Ser1458Asn). The serine residue is weakly conserved and there is a small physicochemical difference between serine and asparagine. This variant is not present in population databases (ExAC no frequency). This variant has not been reported in the literature in individuals affected with SBF2-related conditions. Algorithms developed to predict the effect of missense changes on protein structure and function output the following: SIFT: "Tolerated"; PolyPhen-2: "Benign"; Align-GVGD: "Class C0". The asparagine amino acid residue is found in multiple mammalian species, which suggests that this missense change does not adversely affect protein function. In summary, the available evidence is currently insufficient to determine the role of this variant in disease. Therefore, it has been classified as a Variant of Uncertain Significance.

NM_030962.4(SBF2):c.4373G>A (p.Ser1458Asn)

Genes: SBF2 (SET binding factor 2; minus strand), SBF2-AS1 (SBF2 antisense RNA 1; plus strand). Cytogenetic location: 11p15.4.
Variant type: single nucleotide variant.
Coding change: c.4373G>A on transcript NM_030962.4 (MANE Select); coding-DNA position 4373, G replaced by A.
Protein change: p.Ser1458Asn; replaces serine 1458 with asparagine.
Molecular consequence: missense variant. On other transcripts: non-coding transcript variant (1).
Genome position (GRCh38, 1-based): chr11:9,808,070, C>T on the plus strand (G>A on the coding strand, the complement: SBF2 is on the minus strand). VCF-style: chr11-9808070-C-T. GRCh37 (hg19) VCF-style: chr11-9829617-C-T.
Other names: c.4469G>A, p.Ser1490Asn (NM_001386339.1); c.4244G>A, p.Ser1415Asn (NM_001386342.1); short protein forms S1458N, S1415N, S1490N.
Identifiers: ClinVar variation 835762 (VCV000835762.8), dbSNP rs1343934459, ClinGen allele CA379639706.